The following is an entry in ClinVar:

NM_004104.5(FASN):c.7332G>A (p.Met2444Ile)

Genes: FASN (fatty acid synthase; minus strand), LOC129390948 (MPRA-validated peak3028 silencer; plus strand). Cytogenetic location: 17q25.3.
Variant type: single nucleotide variant.
Coding change: c.7332G>A on transcript NM_004104.5 (MANE Select); coding-DNA position 7332, G replaced by A.
Protein change: p.Met2444Ile; replaces methionine 2444 with isoleucine.
Molecular consequence: missense variant.
Genome position (GRCh38, 1-based): chr17:82,079,423, C>T on the plus strand (G>A on the coding strand, the complement: FASN is on the minus strand). VCF-style: chr17-82079423-C-T. GRCh37 (hg19) VCF-style: chr17-80037299-C-T.
Other names: short protein forms M2444I.
Identifiers: ClinVar variation 1523494 (VCV001523494.8), dbSNP rs761715517, ClinGen allele CA8851037.

ClinVar aggregate classification (germline): Uncertain significance (1 of 4 stars; one submission).

Conditions:
Epileptic encephalopathy. Identifiers: MedGen C0543888, HP:0200134.

Allele frequency attached by ClinVar (database versions not stated): TOPMed below 0.00001; ExAC 0.00002; gnomAD exomes 0.00002 and 0.00004.
gnomAD v4.1: 55 of 1,613,084 alleles (0.0034%); highest among the groups gnomAD compares: Non-Finnish European, 0.0044%; no homozygotes.

Submission:

Labcorp Genetics (formerly Invitae), Labcorp
Classification: Uncertain significance for Epileptic encephalopathy. Last evaluated: 2025-08-25. Review status: criteria provided, single submitter. Criteria: Invitae Variant Classification Sherloc (09022015). Collection method: clinical testing. Allele origin: germline.
Comment: This sequence change replaces methionine, which is neutral and non-polar, with isoleucine, which is neutral and non-polar, at codon 2444 of the FASN protein (p.Met2444Ile). This variant is present in population databases (rs761715517, gnomAD 0.005%). This variant has not been reported in the literature in individuals affected with FASN-related conditions. ClinVar contains an entry for this variant (Variation ID: 1523494). An algorithm developed to predict the effect of missense changes on protein structure and function (PolyPhen-2) suggests that this variant is likely to be tolerated. In summary, the available evidence is currently insufficient to determine the role of this variant in disease. Therefore, it has been classified as a Variant of Uncertain Significance.